The following is an entry in ClinVar:

ClinVar aggregate classification (germline): Likely benign (1 of 4 stars; one submission).

Allele frequency attached by ClinVar (database versions not stated): TOPMed 0.00001 and below 0.00001.

Submission:

GeneDx
Classification: Likely benign. Last evaluated: 2016-04-22. Review status: criteria provided, single submitter. Criteria: GeneDx Variant Classification (06012015). Collection method: clinical testing. Allele origin: germline. Affected: yes.
Comment: This variant is considered likely benign or benign based on one or more of the following criteria: it is a conservative change, it occurs at a poorly conserved position in the protein, it is predicted to be benign by multiple in silico algorithms, and/or has population frequency not consistent with disease.

NM_002755.4(MAP2K1):c.80+14G>A

Gene: MAP2K1 (mitogen-activated protein kinase kinase 1; plus strand). Cytogenetic location: 15q22.31.
Variant type: single nucleotide variant.
Coding change: c.80+14G>A on transcript NM_002755.4 (MANE Select); 14 bases into the intron after coding-DNA position 80, G replaced by A.
Molecular consequence: intron variant.
Genome position (GRCh38, 1-based): chr15:66,387,441, G>A. VCF-style: chr15-66387441-G-A. GRCh37 (hg19) VCF-style: chr15-66679779-G-A.
Identifiers: ClinVar variation 385739 (VCV000385739.1), dbSNP rs1057522314, ClinGen allele CA16606755.
Genomic context (GRCh38, chr15:66,387,441, plus strand): 5'-AACCCGGCCCCCGACGGCTCTGCAGTTAACGGGACCAGCTCTGCGGAGTAAGTATGGGGC[G>A]GGCGGTGAACCTCGGGGCCCGGCTGGGGAGGCCCGAGCCGGGGAGCAGGAGCGCGCGCCA-3'